The following is an entry in ClinVar:

NM_004618.5(TOP3A):c.1751T>G (p.Leu584Arg)

Gene: TOP3A (DNA topoisomerase III alpha; minus strand). Cytogenetic location: 17p11.2.
Variant type: single nucleotide variant.
Coding change: c.1751T>G on transcript NM_004618.5 (MANE Select); coding-DNA position 1751, T replaced by G.
Protein change: p.Leu584Arg; replaces leucine 584 with arginine.
Molecular consequence: missense variant.
Genome position (GRCh38, 1-based): chr17:18,285,268, A>C on the plus strand (T>G on the coding strand, the complement: TOP3A is on the minus strand). VCF-style: chr17-18285268-A-C. GRCh37 (hg19) VCF-style: chr17-18188582-A-C.
Other names: p.Leu584Arg; c.1466T>G, p.Leu489Arg (NM_001320759.2); short protein forms L489R, L584R.
Identifiers: ClinVar variation 787566 (VCV000787566.45), dbSNP rs34001746, ClinGen allele CA8429788.

ClinVar aggregate classification (germline): Likely benign. Review status: criteria provided, multiple submitters, no conflicts (2 of 4 stars). 4 submissions from 4 submitters: Likely benign (3). 1 of the submissions does not count toward it. Last evaluated 2026-09-01.

Conditions:
TOP3A-related disorder. Also called: TOP3A-related condition; TOP3A-related disorders.

Allele frequency attached by ClinVar (database versions not stated): 1000 Genomes Project 30x 0.00062; 1000 Genomes Project 0.00080; ExAC 0.00282; gnomAD exomes 0.00291 and 0.00553; TOPMed 0.00322; gnomAD 0.00324 and 0.00330; ESP Exome Variant Server 0.00477.
gnomAD v4.1: 8,662 of 1,614,174 alleles (0.54%); highest among the groups gnomAD compares: Non-Finnish European, 0.66%; 36 homozygotes.

Submissions (4):

CeGaT Center for Human Genetics Tuebingen
Classification: Likely benign. Last evaluated: 2026-09-01. Review status: criteria provided, single submitter. Criteria: CeGaT Center For Human Genetics Tuebingen Variant Classification Criteria Version 2. Collection method: clinical testing. Allele origin: germline. Affected: yes. Observed: 29 variant alleles.
Comment: TOP3A: BS2

Labcorp Genetics (formerly Invitae), Labcorp
Classification: Likely benign. Last evaluated: 2026-01-22. Review status: criteria provided, single submitter. Criteria: Invitae Variant Classification Sherloc (09022015). Collection method: clinical testing. Allele origin: germline.

Mayo Clinic Laboratories, Mayo Clinic
Classification: Likely benign. Last evaluated: 2025-10-07. Review status: criteria provided, single submitter. Criteria: ACMG Guidelines, 2015. Collection method: clinical testing. Allele origin: germline. Observed: 3 variant alleles.
Comment: BS1, BS2, PP3

PreventionGenetics, part of Exact Sciences
Classification: Likely benign for TOP3A-related condition. Last evaluated: 2019-05-17. Review status: no assertion criteria provided. Collection method: clinical testing. Allele origin: germline. Not counted in ClinVar's aggregate classification.
Comment: This variant is classified as likely benign based on ACMG/AMP sequence variant interpretation guidelines (Richards et al. 2015 PMID: 25741868, with internal and published modifications).